The following is an entry in ClinVar:

ClinVar aggregate classification (germline): Likely benign. Review status: criteria provided, multiple submitters, no conflicts (2 of 4 stars). 2 submissions from 2 submitters: Likely benign (2). Last evaluated 2025-01-23.

Conditions:
Aortic aneurysm, familial thoracic 4 (AAT4). Also called: AORTIC ANEURYSM/AORTIC DISSECTION AND PATENT DUCTUS ARTERIOSUS. Identifiers: MedGen C1851504, MONDO:0007568, OMIM 132900.
Familial thoracic aortic aneurysm and aortic dissection (TAAD). Also called: Thoracic aortic aneurysms and dissections. Identifiers: Orphanet 91387, MedGen C4707243, MONDO:0019625.

Allele frequency attached by ClinVar (database versions not stated): gnomAD exomes 0.00001.

Submissions (2):

Labcorp Genetics (formerly Invitae), Labcorp
Classification: Likely benign for Aortic aneurysm, familial thoracic 4. Last evaluated: 2025-01-23. Review status: criteria provided, single submitter. Criteria: Invitae Variant Classification Sherloc (09022015). Collection method: clinical testing. Allele origin: germline.

All of Us Research Program, National Institutes of Health
Classification: Likely benign for Familial thoracic aortic aneurysm and aortic dissection. Last evaluated: 2024-04-16. Review status: criteria provided, single submitter. Criteria: ACMG Guidelines, 2015. Collection method: clinical testing. Allele origin: germline. Inheritance: Autosomal dominant inheritance. Observed: 2 variant alleles, 2 heterozygotes.
Comment: This study involves interpretation of variants in research participants for the purpose of population health screening. Participant phenotype was not available at the time of variant classification. Additional details can be found in publication PMID: 35346344, PMCID: PMC8962531

NM_002474.3(MYH11):c.2521-8G>T

Gene: MYH11 (myosin heavy chain 11; minus strand). Cytogenetic location: 16p13.11.
Variant type: single nucleotide variant.
Coding change: c.2521-8G>T on transcript NM_002474.3 (MANE Select); 8 bases into the intron before coding-DNA position 2521, G replaced by T.
Molecular consequence: intron variant.
Genome position (GRCh38, 1-based): chr16:15,741,899, C>A on the plus strand (G>T on the coding strand, the complement: MYH11 is on the minus strand). VCF-style: chr16-15741899-C-A. GRCh37 (hg19) VCF-style: chr16-15835756-C-A.
Other names: c.2521-8G>T (NM_022844.3); c.2542-8G>T (NM_001040114.2, NM_001040113.2).
Identifiers: ClinVar variation 3070074 (VCV003070074.4), dbSNP rs2506209620, ClinGen allele CA2631941336.